The following is an entry in ClinVar:

NM_000748.3(CHRNB2):c.64+3A>G

Gene: CHRNB2 (cholinergic receptor nicotinic beta 2 subunit; plus strand). Cytogenetic location: 1q21.3.
Variant type: single nucleotide variant.
Coding change: c.64+3A>G on transcript NM_000748.3 (MANE Select); 3 bases into the intron after coding-DNA position 64, A replaced by G.
Molecular consequence: intron variant.
Genome position (GRCh38, 1-based): chr1:154,568,111, A>G. VCF-style: chr1-154568111-A-G. GRCh37 (hg19) VCF-style: chr1-154540587-A-G.
Identifiers: ClinVar variation 3001751 (VCV003001751.3), dbSNP rs1164999292, ClinGen allele CA526406219.
Genomic context (GRCh38, chr1:154,568,111, plus strand): 5'-CGGCGCTGCGGCCCCGTGGCGCTGCTCCTTGGCTTCGGCCTCCTCCGGCTGTGCTCAGGT[A>G]AGGGAAAGACGGGCACTGGCCAGGTTCTCCTACCCCAGCCAACGGCCCAAGACTCGCCGC-3'

ClinVar aggregate classification (germline): Uncertain significance (1 of 4 stars; one submission).

Conditions:
Familial sleep-related hypermotor epilepsy. Also called: Autosomal Dominant Sleep-Related Hypermotor (Hyperkinetic) Epilepsy. Identifiers: Orphanet 98784, MedGen C3696898, MONDO:0000030.

Allele frequency attached by ClinVar (database versions not stated): gnomAD exomes 0.00001; TOPMed below 0.00001.
gnomAD v4.1: 11 of 1,600,722 alleles (0.00069%); highest among the groups gnomAD compares: East Asian, 0.025%; no homozygotes.

Submission:

Labcorp Genetics (formerly Invitae), Labcorp
Classification: Uncertain significance. Last evaluated: 2023-07-25. Review status: criteria provided, single submitter. Criteria: Invitae Variant Classification Sherloc (09022015). Collection method: clinical testing. Allele origin: germline.
Comment: This sequence change falls in intron 1 of the CHRNB2 gene. It does not directly change the encoded amino acid sequence of the CHRNB2 protein. It affects a nucleotide within the consensus splice site. The frequency data for this variant in the population databases is considered unreliable, as metrics indicate poor data quality at this position in the gnomAD database. This variant has not been reported in the literature in individuals affected with CHRNB2-related conditions. Variants that disrupt the consensus splice site are a relatively common cause of aberrant splicing (PMID: 17576681, 9536098). Algorithms developed to predict the effect of sequence changes on RNA splicing suggest that this variant is not likely to affect RNA splicing. In summary, the available evidence is currently insufficient to determine the role of this variant in disease. Therefore, it has been classified as a Variant of Uncertain Significance.

Literature cited by the submitters: PubMed 17576681; PubMed 9536098.